The following is an entry in ClinVar:

NM_001142800.2(EYS):c.4102G>A (p.Val1368Ile)

Gene: EYS (EGF-like photoreceptor maintenance factor; minus strand). Cytogenetic location: 6q12.
Variant type: single nucleotide variant.
Coding change: c.4102G>A on transcript NM_001142800.2 (MANE Select); coding-DNA position 4102, G replaced by A.
Protein change: p.Val1368Ile; replaces valine 1368 with isoleucine.
Molecular consequence: missense variant.
Genome position (GRCh38, 1-based): chr6:64,591,765, C>T on the plus strand (G>A on the coding strand, the complement: EYS is on the minus strand). VCF-style: chr6-64591765-C-T. GRCh37 (hg19) VCF-style: chr6-65301658-C-T.
Other names: c.4102G>A (NM_001142800.1); c.4102G>A, p.Val1368Ile (NM_001292009.2); short protein forms V1368I.
Identifiers: ClinVar variation 1359099 (VCV001359099.7), dbSNP rs1314888456, ClinGen allele CA364784041.

ClinVar aggregate classification (germline): Uncertain significance. Review status: criteria provided, multiple submitters, no conflicts (2 of 4 stars). 3 submissions from 3 submitters: Uncertain significance (3). Last evaluated 2024-08-16.

Conditions:
Inborn genetic diseases. Identifiers: MedGen C0950123, MeSH D030342.

Allele frequency attached by ClinVar (database versions not stated): gnomAD exomes 0.00003.
gnomAD v4.1: 15 of 1,551,142 alleles (0.00097%); highest among the groups gnomAD compares: Admixed American, 0.0059%; no homozygotes.

Submissions (3):

Blueprint Genetics
Classification: Uncertain significance. Last evaluated: 2024-08-16. Review status: criteria provided, single submitter. Criteria: ACMG Guidelines, 2015. Collection method: clinical testing. Allele origin: germline.

Ambry Genetics
Classification: Uncertain significance for Inborn genetic diseases. Last evaluated: 2021-10-22. Review status: criteria provided, single submitter. Criteria: Ambry Variant Classification Scheme 2023. Collection method: clinical testing. Allele origin: germline.

Labcorp Genetics (formerly Invitae), Labcorp
Classification: Uncertain significance. Last evaluated: 2021-08-31. Review status: criteria provided, single submitter. Criteria: Invitae Variant Classification Sherloc (09022015). Collection method: clinical testing. Allele origin: germline.
Comment: This sequence change replaces valine with isoleucine at codon 1368 of the EYS protein (p.Val1368Ile). The valine residue is moderately conserved and there is a small physicochemical difference between valine and isoleucine. This variant is not present in population databases (ExAC no frequency). This variant has not been reported in the literature in individuals affected with EYS-related conditions. Algorithms developed to predict the effect of missense changes on protein structure and function output the following: SIFT: "Tolerated"; PolyPhen-2: "Benign"; Align-GVGD: "Class C0". The isoleucine amino acid residue is found in multiple mammalian species, which suggests that this missense change does not adversely affect protein function. In summary, the available evidence is currently insufficient to determine the role of this variant in disease. Therefore, it has been classified as a Variant of Uncertain Significance.